The following is an entry in ClinVar:

ClinVar aggregate classification (germline): Uncertain significance (1 of 4 stars; one submission).

Conditions:
Malignant hyperthermia, susceptibility to, 1 (MHS1). Also called: Anesthesia related hyperthermia; Malignant hyperpyrexia; Fulminating hyperpyrexia; Pharmacogenic myopathy; RYR1-Related Malignant Hyperthermia Susceptibility; Malignant hyperthermia suceptibility 1. Identifiers: Orphanet 423, MedGen C2930980, MONDO:0007783, OMIM 145600.

Allele frequency attached by ClinVar (database versions not stated): gnomAD exomes below 0.00001.
gnomAD v4.1: 1 of 1,614,156 alleles (0.000062%); highest among the groups gnomAD compares: Non-Finnish European, 0.000085%; no homozygotes.

Submission:

All of Us Research Program, National Institutes of Health
Classification: Uncertain significance for Malignant hyperthermia, susceptibility to, 1. Last evaluated: 2023-05-16. Review status: criteria provided, single submitter. Criteria: ACMG Guidelines, 2015. Collection method: clinical testing. Allele origin: germline. Inheritance: Autosomal dominant inheritance. Observed: 1 variant allele, 1 heterozygote.
Comment: This missense variant replaces aspartic acid with tyrosine at codon 748 of the RYR1 protein. Computational prediction suggests that this variant may have deleterious impact on protein structure and function (internally defined REVEL score threshold >= 0.7, PMID: 27666373). To our knowledge, functional studies have not been reported for this variant. This variant has not been reported in individuals affected with RYR1-related disorders in the literature. This variant has been identified in 1/251422 chromosomes in the general population by the Genome Aggregation Database (gnomAD). The available evidence is insufficient to determine the role of this variant in disease conclusively. Therefore, this variant is classified as a Variant of Uncertain Significance.

This study involves interpretation of variants in research participants for the purpose of population health screening. Participant phenotype was not available at the time of variant classification. Additional details can be found in publication PMID: 35346344, PMCID: PMC8962531

NM_000540.3(RYR1):c.2242G>T (p.Asp748Tyr)

Gene: RYR1 (ryanodine receptor 1; plus strand). Cytogenetic location: 19q13.2.
Variant type: single nucleotide variant.
Coding change: c.2242G>T on transcript NM_000540.3 (MANE Select); coding-DNA position 2242, G replaced by T.
Protein change: p.Asp748Tyr; replaces aspartic acid 748 with tyrosine.
Molecular consequence: missense variant.
Genome position (GRCh38, 1-based): chr19:38,459,220, G>T. VCF-style: chr19-38459220-G-T. GRCh37 (hg19) VCF-style: chr19-38949860-G-T.
Other names: c.2242G>T, p.Asp748Tyr (NM_001042723.2); short protein forms D748Y.
Identifiers: ClinVar variation 3071082 (VCV003071082.1), dbSNP rs1438203342, ClinGen allele CA405627809.